The following is an entry in ClinVar:

NM_173598.6(KSR2):c.181-9TC[3]

Gene: KSR2 (kinase suppressor of ras 2; minus strand). Cytogenetic location: 12q24.23.
Variant type: Microsatellite.
Coding change: c.181-9TC[3] on transcript NM_173598.6 (MANE Select); three copies in a row of the 2-base unit TC starting at c.181-9; the reference has two copies in a row; one copy, 2 bases duplicated.
Molecular consequence: intron variant.
Genome position (GRCh38, 1-based): chr12:117,860,437-117,860,438, GA duplicated on the plus strand (TC on the coding strand, the reverse complement: KSR2 is on the minus strand); duplicating any 2 consecutive bases within chr12:117,860,437-117,860,440 gives the same sequence; the position shown is the placement nearest the transcript's 3' end. VCF-style (leftmost placement, unchanged base first): chr12-117860436-G-GGA. GRCh37 (hg19) VCF-style: chr12-118298241-G-GGA.
Identifiers: ClinVar variation 4981978 (VCV004981978.1).

ClinVar aggregate classification (germline): Likely benign (1 of 4 stars; one submission).

Conditions:
KSR2-related disorder. Also called: KSR2-related condition.

Submission:

PreventionGenetics, part of Exact Sciences
Classification: Likely benign for KSR2-related condition. Last evaluated: 2026-07-20. Review status: criteria provided, single submitter. Criteria: ACMG Guidelines, 2015. Collection method: clinical testing. Allele origin: germline.
Comment: This variant is classified as likely benign based on ACMG/AMP sequence variant interpretation guidelines (Richards et al. 2015 PMID: 25741868, with internal and published modifications).